The following is an entry in ClinVar:

NM_003482.4(KMT2D):c.11666_11667del (p.Leu3889fs)

Gene: KMT2D (lysine methyltransferase 2D; minus strand). Cytogenetic location: 12q13.12.
Variant type: Deletion.
Coding change: c.11666_11667del on transcript NM_003482.4 (MANE Select); coding-DNA positions 11666 to 11667, 2 bases deleted (TG; older notation c.11666_11667delTG).
Protein change: p.Leu3889fs; shifts the reading frame from leucine 3889.
Molecular consequence: frameshift variant.
Genome position (GRCh38, 1-based): chr12:49,033,038-49,033,039, CA deleted on the plus strand (TG on the coding strand, the reverse complement: KMT2D is on the minus strand). VCF-style (leftmost placement, unchanged base first): chr12-49033037-TCA-T. GRCh37 (hg19) VCF-style: chr12-49426820-TCA-T.
Other names: c.11666_11667delTG (NM_003482.4); short protein forms L3889fs.
Identifiers: ClinVar variation 4073589 (VCV004073589.1).

ClinVar aggregate classification (germline): Pathogenic (1 of 4 stars; one submission).

Conditions:
Kabuki syndrome 1 (KABUK1). Also called: KMT2D-Related Kabuki Syndrome. Identifiers: Orphanet 2322, MedGen CN030661, MONDO:0007843, OMIM 147920.

Submission:

Department of Pediatric Genetics, University of Health Sciences, Ankara Bilkent City Children’s Hospital
Classification: Pathogenic for Kabuki syndrome 1. Last evaluated: 2024-12-01. Review status: criteria provided, single submitter. Criteria: ACMG Guidelines, 2015. Collection method: clinical testing. Allele origin: de novo. Affected: yes.
Comment: The c.11666_11667delTG variant in the KMT2D gene (NM_003482.4) is a frameshift variant located in exon 40 and has not been previously reported in ClinVar. This variant is predicted to result in loss of function due to a truncated or absent protein (PVS1). The allele frequency of this variant is not reported, and it is absent from population databases such as gnomAD (PM2). PM6 was applied because the variant represents a de novo occurrence in a patient with the disease and no family history. The patient's clinical features are highly specific and strongly correlated with the gene in question, for which a single genetic etiology is well established. Therefore, PP4 was considered applicable. In summary, this variant meets the criteria to be classified as pathogenic for Kabuki syndrome 1 (#147920), based on the ACMG guidelines (Richards et al., 2015), with supporting evidence from criteria PVS1, PM6, PM2, and PP4.